The following is an entry in ClinVar:

NM_001111125.3(IQSEC2):c.3923C>T (p.Pro1308Leu)

Gene: IQSEC2 (IQ motif and Sec7 domain ArfGEF 2; minus strand). Cytogenetic location: Xp11.22.
Variant type: single nucleotide variant.
Coding change: c.3923C>T on transcript NM_001111125.3 (MANE Select); coding-DNA position 3923, C replaced by T.
Protein change: p.Pro1308Leu; replaces proline 1308 with leucine.
Molecular consequence: missense variant. On other transcripts: 3 prime UTR variant (1).
Genome position (GRCh38, 1-based): chrX:53,234,763, G>A on the plus strand (C>T on the coding strand, the complement: IQSEC2 is on the minus strand). VCF-style: chrX-53234763-G-A. GRCh37 (hg19) VCF-style: chrX-53263945-G-A.
Other names: c.*408C>T (NM_015075.2); short protein forms P1308L.
Identifiers: ClinVar variation 1007312 (VCV001007312.9), dbSNP rs1260004392, ClinGen allele CA413140141.

ClinVar aggregate classification (germline): Uncertain significance (1 of 4 stars; one submission).

Conditions:
Intellectual developmental disorder, X-linked 1. Also called: Atkin Flaitz Patil Smith syndrome; Intellectual disability, X-linked 1; MENTAL RETARDATION, X-LINKED 18; MENTAL RETARDATION, X-LINKED 78. Identifiers: Orphanet 777, MedGen C2931498, MONDO:0010656, OMIM 309530.

Allele frequency attached by ClinVar (database versions not stated): gnomAD exomes below 0.00001; TOPMed 0.00001.
gnomAD v4.1: 2 of 1,120,983 alleles (0.00018%); highest among the groups gnomAD compares: Non-Finnish European, 0.00024%; no homozygotes.

Submission:

Labcorp Genetics (formerly Invitae), Labcorp
Classification: Uncertain significance for Intellectual developmental disorder, X-linked 1. Last evaluated: 2020-07-10. Review status: criteria provided, single submitter. Criteria: Invitae Variant Classification Sherloc (09022015). Collection method: clinical testing. Allele origin: germline.
Comment: This variant has not been reported in the literature in individuals with IQSEC2-related conditions. In summary, the available evidence is currently insufficient to determine the role of this variant in disease. Therefore, it has been classified as a Variant of Uncertain Significance. Algorithms developed to predict the effect of missense changes on protein structure and function are either unavailable or do not agree on the potential impact of this missense change (SIFT: "Tolerated"; PolyPhen-2: "Possibly Damaging"; Align-GVGD: "Class C0"). The frequency data for this variant in the population databases is considered unreliable, as metrics indicate insufficient coverage at this position in the ExAC database. This sequence change replaces proline with leucine at codon 1308 of the IQSEC2 protein (p.Pro1308Leu). The proline residue is weakly conserved and there is a moderate physicochemical difference between proline and leucine.